The following is an entry in ClinVar:

NM_004656.4(BAP1):c.314G>T (p.Ser105Ile)

Gene: BAP1 (BRCA1 associated deubiquitinase 1; minus strand). Cytogenetic location: 3p21.1.
Variant type: single nucleotide variant.
Coding change: c.314G>T on transcript NM_004656.4 (MANE Select); coding-DNA position 314, G replaced by T.
Protein change: p.Ser105Ile; replaces serine 105 with isoleucine.
Molecular consequence: missense variant.
Genome position (GRCh38, 1-based): chr3:52,408,019, C>A on the plus strand (G>T on the coding strand, the complement: BAP1 is on the minus strand). VCF-style: chr3-52408019-C-A. GRCh37 (hg19) VCF-style: chr3-52442035-C-A.
Other names: short protein forms S105I.
Identifiers: ClinVar variation 472696 (VCV000472696.8), dbSNP rs1553645941, ClinGen allele CA353112260.
Genomic context (GRCh38, chr3:52,408,019, plus strand): 5'-TCAGGGCTGAAACCCTTGGTGAAGTCCTTCATGCGACTCAGGGTGGGTCCCAGGTCCACG[C>A]TGCTGCAGTTCAGGAGCACGCTCAGCAAGGCATGAGTTGCACAAGAGTTGGGTATCAGCT-3'
Protein context (NP_004647.1, residues 95-115): ALLSVLLNCS[Ser105Ile]VDLGPTLSRM

ClinVar aggregate classification (germline): Uncertain significance (1 of 4 stars; one submission).

Conditions:
BAP1-related tumor predisposition syndrome (TPDS1). Also called: Tumor susceptibility linked to germline BAP1 mutations; TUMOR PREDISPOSITION SYNDROME 1; COMMON Syndrome; BAP1 tumor predisposition syndrome. Identifiers: Orphanet 289539, MedGen C3280492, MONDO:0013692, OMIM 614327.

gnomAD v4.1: 1 of 1,613,880 alleles (0.000062%); no homozygotes.

Submission:

Labcorp Genetics (formerly Invitae), Labcorp
Classification: Uncertain significance for BAP1-related tumor predisposition syndrome. Last evaluated: 2024-08-01. Review status: criteria provided, single submitter. Criteria: Invitae Variant Classification Sherloc (09022015). Collection method: clinical testing. Allele origin: germline.
Comment: This sequence change replaces serine, which is neutral and polar, with isoleucine, which is neutral and non-polar, at codon 105 of the BAP1 protein (p.Ser105Ile). This variant is not present in population databases (gnomAD no frequency). This variant has not been reported in the literature in individuals affected with BAP1-related conditions. ClinVar contains an entry for this variant (Variation ID: 472696). Advanced modeling of protein sequence and biophysical properties (such as structural, functional, and spatial information, amino acid conservation, physicochemical variation, residue mobility, and thermodynamic stability) performed at Invitae indicates that this missense variant is not expected to disrupt BAP1 protein function with a negative predictive value of 80%. In summary, the available evidence is currently insufficient to determine the role of this variant in disease. Therefore, it has been classified as a Variant of Uncertain Significance.